The following is an entry in ClinVar:

ClinVar aggregate classification (germline): Pathogenic (1 of 4 stars; one submission).

Conditions:
Myopathy with tubular aggregates (TAM). Also called: Tubular Aggregate Myopathy. Identifiers: Orphanet 2593, MedGen C0410207, MONDO:0008051.
Combined immunodeficiency due to STIM1 deficiency. Also called: IMMUNODEFICIENCY 10; STIM1 DEFICIENCY. Identifiers: Orphanet 169090, Orphanet 317430, MedGen C2748557, MONDO:0013008, OMIM 612783.
Stormorken syndrome (STRMK). Also called: THROMBOCYTOPATHY, ASPLENIA, AND MIOSIS. Identifiers: Orphanet 3204, MedGen C1861451, MONDO:0008497, OMIM 185070.

Submission:

Labcorp Genetics (formerly Invitae), Labcorp
Classification: Pathogenic for Myopathy with tubular aggregates; Combined immunodeficiency due to STIM1 deficiency; Stormorken syndrome. Last evaluated: 2024-06-17. Review status: criteria provided, single submitter. Criteria: Invitae Variant Classification Sherloc (09022015). Collection method: clinical testing. Allele origin: germline.
Comment: This sequence change creates a premature translational stop signal (p.Glu482Alafs*25) in the STIM1 gene. While this is not anticipated to result in nonsense mediated decay, it is expected to disrupt the last 204 amino acid(s) of the STIM1 protein. This variant is not present in population databases (gnomAD no frequency). This variant has not been reported in the literature in individuals affected with STIM1-related conditions. Algorithms developed to predict the effect of sequence changes on RNA splicing suggest that this variant may disrupt the consensus splice site. This variant disrupts a region of the STIM1 protein in which other variant(s) (p.Ile484Argfs*21) have been determined to be pathogenic (PMID: 27066587). This suggests that this is a clinically significant region of the protein, and that variants that disrupt it are likely to be disease-causing. For these reasons, this variant has been classified as Pathogenic.

Literature cited by the submitters: PubMed 27066587.

NM_001382567.1(STIM1):c.1437_1444dup (p.Glu482fs)

Gene: STIM1 (stromal interaction molecule 1; plus strand). Cytogenetic location: 11p15.4.
Variant type: Duplication.
Coding change: c.1437_1444dup on transcript NM_001382567.1 (MANE Select); coding-DNA positions 1437 to 1444, 8 bases duplicated (CATGGATG; older notation c.1437_1444dupCATGGATG).
Protein change: p.Glu482fs; shifts the reading frame from glutamic acid 482.
Molecular consequence: frameshift variant. On other transcripts: non-coding transcript variant (2).
Genome position (GRCh38, 1-based): chr11:4,083,461-4,083,468, CATGGATG duplicated. VCF-style (leftmost placement, unchanged base first): chr11-4083460-A-ACATGGATG. GRCh37 (hg19) VCF-style: chr11-4104690-A-ACATGGATG.
Other names: c.1437_1444dup, p.Glu482fs (NM_001277961.3, NM_001277962.2, NM_003156.4); c.1215_1222dup, p.Glu408fs (NM_001382566.1, NM_001382573.1, NM_001382575.1 and 4 more transcripts); c.1458_1465dup, p.Glu489fs (NM_001382568.1); c.1302_1309dup, p.Glu437fs (NM_001382569.1); c.1209_1216dup, p.Glu406fs (NM_001382570.1); c.957_964dup, p.Glu322fs (NM_001382571.1); c.948_955dup, p.Glu319fs (NM_001382580.1, NM_001382581.1); short protein forms E319fs, E322fs, E406fs, E408fs, E437fs, E482fs, E489fs.
Identifiers: ClinVar variation 3756856 (VCV003756856.2).